The following is an entry in ClinVar:

NM_020297.4(ABCC9):c.467G>A (p.Cys156Tyr)

Gene: ABCC9 (ATP binding cassette subfamily C member 9; minus strand). Cytogenetic location: 12p12.1.
Variant type: single nucleotide variant.
Coding change: c.467G>A on transcript NM_020297.4 (MANE Select); coding-DNA position 467, G replaced by A.
Protein change: p.Cys156Tyr; replaces cysteine 156 with tyrosine.
Molecular consequence: missense variant. On other transcripts: intron variant (1).
Genome position (GRCh38, 1-based): chr12:21,917,043, C>T on the plus strand (G>A on the coding strand, the complement: ABCC9 is on the minus strand). VCF-style: chr12-21917043-C-T. GRCh37 (hg19) VCF-style: chr12-22069977-C-T.
Other names: c.467G>A, p.Cys156Tyr (NM_001377273.1, NM_005691.4); c.-48-3977G>A (NM_001377274.1); short protein forms C156Y.
Identifiers: ClinVar variation 944365 (VCV000944365.10), dbSNP rs754918275, ClinGen allele CA233614207.

ClinVar aggregate classification (germline): Uncertain significance. Review status: criteria provided, multiple submitters, no conflicts (2 of 4 stars). 2 submissions from 2 submitters: Uncertain significance (2). Last evaluated 2025-12-24.

Conditions:
Dilated cardiomyopathy 1O (CMD1O). Also called: CARDIOMYOPATHY, DILATED, WITH VENTRICULAR TACHYCARDIA. Identifiers: Orphanet 154, MedGen C1837839, MONDO:0012062, OMIM 608569.

Allele frequency attached by ClinVar (database versions not stated): gnomAD exomes 0.00001; TOPMed 0.00001.
gnomAD v4.1: 7 of 1,613,850 alleles (0.00043%); highest among the groups gnomAD compares: Non-Finnish European, 0.00059%; no homozygotes.

Submissions (2):

Labcorp Genetics (formerly Invitae), Labcorp
Classification: Uncertain significance for Dilated cardiomyopathy 1O. Last evaluated: 2025-12-24. Review status: criteria provided, single submitter. Criteria: Invitae Variant Classification Sherloc (09022015). Collection method: clinical testing. Allele origin: germline.
Comment: This sequence change replaces cysteine, which is neutral and slightly polar, with tyrosine, which is neutral and polar, at codon 156 of the ABCC9 protein (p.Cys156Tyr). This variant is not present in population databases (gnomAD no frequency). This variant has not been reported in the literature in individuals affected with ABCC9-related conditions. ClinVar contains an entry for this variant (Variation ID: 944365). Invitae Evidence Modeling of protein sequence and biophysical properties (such as structural, functional, and spatial information, amino acid conservation, physicochemical variation, residue mobility, and thermodynamic stability) indicates that this missense variant is not expected to disrupt ABCC9 protein function with a negative predictive value of 95%. In summary, the available evidence is currently insufficient to determine the role of this variant in disease. Therefore, it has been classified as a Variant of Uncertain Significance.

Blueprint Genetics
Classification: Uncertain significance. Last evaluated: 2024-06-28. Review status: criteria provided, single submitter. Criteria: ACMG Guidelines, 2015. Collection method: clinical testing. Allele origin: germline.